The following is an entry in ClinVar:

ClinVar aggregate classification (germline): Uncertain significance (1 of 4 stars; one submission).

Conditions:
Arrhythmogenic right ventricular dysplasia 5. Also called: Arrhythmogenic Right Ventricular Dysplasia/Cardiomyopathy 5; ARRHYTHMOGENIC RIGHT VENTRICULAR DYSPLASIA, FAMILIAL, 5. Identifiers: MedGen C1858379, MONDO:0011459, OMIM 604400.

Submission:

Labcorp Genetics (formerly Invitae), Labcorp
Classification: Uncertain significance for Arrhythmogenic right ventricular dysplasia 5. Last evaluated: 2022-11-03. Review status: criteria provided, single submitter. Criteria: Invitae Variant Classification Sherloc (09022015). Collection method: clinical testing. Allele origin: germline.
Comment: In summary, the available evidence is currently insufficient to determine the role of this variant in disease. Therefore, it has been classified as a Variant of Uncertain Significance. Algorithms developed to predict the effect of sequence changes on RNA splicing suggest that this variant is not likely to affect RNA splicing. ClinVar contains an entry for this variant (Variation ID: 1393039). This variant has not been reported in the literature in individuals affected with TMEM43-related conditions. This variant is not present in population databases (gnomAD no frequency). This sequence change affects codon 131 of the TMEM43 mRNA. It is a 'silent' change, meaning that it does not change the encoded amino acid sequence of the TMEM43 protein. It affects a nucleotide within the consensus splice site.

NM_024334.3(TMEM43):c.391A>C (p.Arg131=)

Gene: TMEM43 (transmembrane protein 43; plus strand). Cytogenetic location: 3p25.1.
Variant type: single nucleotide variant.
Coding change: c.391A>C on transcript NM_024334.3 (MANE Select); coding-DNA position 391, A replaced by C.
Protein change: p.Arg131=; no amino-acid change (arginine 131 retained).
Molecular consequence: synonymous variant.
Genome position (GRCh38, 1-based): chr3:14,131,673, A>C. VCF-style: chr3-14131673-A-C. GRCh37 (hg19) VCF-style: chr3-14173173-A-C.
Identifiers: ClinVar variation 1393039 (VCV001393039.8), dbSNP rs2124987934, ClinGen allele CA432551316.
Genomic context (GRCh38, chr3:14,131,673, plus strand): 5'-CCGGCTGTGAAACTGCGGAGGCACGTGGAGATGTACCAATGGGTAGAAACTGAGGAGTCC[A>C]GGTGAGCTGTTGGGGTGAAAACTCTGTTGGGGTAAAGGAGGAGTGAAGTGTAGGTGTCAG-3'
Protein context (NP_077310.1, residues 121-141): MYQWVETEES[Arg131=]EYTEDGQVKK